The following is an entry in ClinVar:

ClinVar aggregate classification (germline): Likely pathogenic (1 of 4 stars; one submission).

Conditions:
Lynch syndrome 5 (LYNCH5). Also called: Colorectal cancer, hereditary nonpolyposis, type 5; Hereditary non-polyposis colorectal cancer, type 5. Identifiers: Orphanet 144, MedGen C1833477, MONDO:0013710, OMIM 614350. Disease mechanism: loss of function.

Submission:

Human Genetics Bochum, Ruhr University Bochum
Classification: Likely pathogenic for Lynch syndrome 5. Last evaluated: 2023-08-03. Review status: criteria provided, single submitter. Criteria: ACMG Guidelines, 2015. Collection method: clinical testing. Allele origin: germline. Affected: yes.
Comment: ACMG criteria used to clasify this variant:PVS1, PM2_SUP

NM_000179.3(MSH6):c.3955_3974dup (p.Met1326fs)

Gene: MSH6 (mutS homolog 6; plus strand). Cytogenetic location: 2p16.3.
Variant type: Duplication.
Coding change: c.3955_3974dup on transcript NM_000179.3 (MANE Select); coding-DNA positions 3955 to 3974, 20 bases duplicated (AAAGCAAGAGAATTTGAGAA).
Protein change: p.Met1326fs; shifts the reading frame from methionine 1326.
Molecular consequence: frameshift variant. On other transcripts: non-coding transcript variant (5), intron variant (1), nonsense (1).
Genome position (GRCh38, 1-based): chr2:47,806,605-47,806,624, AAAGCAAGAGAATTTGAGAA duplicated; duplicating any 20 consecutive bases within chr2:47,806,604-47,806,624 gives the same sequence; the c. name uses the placement nearest the transcript's 3' end. VCF-style (leftmost placement, unchanged base first): chr2-47806603-G-GAAAAGCAAGAGAATTTGAGA. GRCh37 (hg19) VCF-style: chr2-48033742-G-GAAAAGCAAGAGAATTTGAGA.
Other names: c.3658_3677dup, p.Met1227fs (NM_001406801.1, NM_001406805.1, NM_001406818.1 and 10 more transcripts); c.3091_3110dup, p.Met1038fs (NM_001406803.1); c.3877_3896dup, p.Met1300fs (NM_001406804.1); c.3430_3449dup, p.Met1151fs (NM_001406806.1, NM_001406807.1, NM_001406799.1); c.3955_3974dup, p.Met1326fs (NM_001406808.1, NM_001406809.1, NM_001406796.1); c.3049_3068dup, p.Met1024fs (NM_001406811.1, NM_001406812.1, NM_001406814.1 and 6 more transcripts); c.3961_3980dup, p.Met1328fs (NM_001406813.1); c.2389_2408dup, p.Met804fs (NM_001406817.1); and 9 more; short protein forms M1024fs, M1038fs, M1151fs, M1196fs, M1227fs, M1268fs, M1270fs, M1300fs.
Identifiers: ClinVar variation 2583152 (VCV002583152.1), dbSNP rs2530874847, ClinGen allele CA2582342382.